The following is an entry in ClinVar:

NM_000540.3(RYR1):c.6642C>G (p.Val2214=)

Gene: RYR1 (ryanodine receptor 1; plus strand). Cytogenetic location: 19q13.2.
Variant type: single nucleotide variant.
Coding change: c.6642C>G on transcript NM_000540.3 (MANE Select); coding-DNA position 6642, C replaced by G.
Protein change: p.Val2214=; no amino-acid change (valine 2214 retained).
Molecular consequence: synonymous variant.
Genome position (GRCh38, 1-based): chr19:38,496,308, C>G. VCF-style: chr19-38496308-C-G. GRCh37 (hg19) VCF-style: chr19-38986948-C-G.
Other names: c.6642C>G, p.Val2214= (NM_001042723.2).
Identifiers: ClinVar variation 3074700 (VCV003074700.1), dbSNP rs1420042427, ClinGen allele CA507353552.

ClinVar aggregate classification (germline): Likely benign (1 of 4 stars; one submission).

Conditions:
Malignant hyperthermia, susceptibility to, 1 (MHS1). Also called: Anesthesia related hyperthermia; Malignant hyperpyrexia; Fulminating hyperpyrexia; Pharmacogenic myopathy; RYR1-Related Malignant Hyperthermia Susceptibility; Malignant hyperthermia suceptibility 1. Identifiers: Orphanet 423, MedGen C2930980, MONDO:0007783, OMIM 145600.

Submission:

All of Us Research Program, National Institutes of Health
Classification: Likely benign for Malignant hyperthermia, susceptibility to, 1. Last evaluated: 2023-11-20. Review status: criteria provided, single submitter. Criteria: ACMG Guidelines, 2015. Collection method: clinical testing. Allele origin: germline. Inheritance: Autosomal dominant inheritance. Observed: 1 variant allele, 1 heterozygote.
Comment: This study involves interpretation of variants in research participants for the purpose of population health screening. Participant phenotype was not available at the time of variant classification. Additional details can be found in publication PMID: 35346344, PMCID: PMC8962531